The following is an entry in ClinVar:

ClinVar aggregate classification (germline): Uncertain significance (1 of 4 stars; one submission).

Submission:

Women's Health and Genetics/Laboratory Corporation of America, LabCorp
Classification: Uncertain significance. Last evaluated: 2023-01-17. Review status: criteria provided, single submitter. Criteria: LabCorp Variant Classification Summary - May 2015. Collection method: clinical testing. Allele origin: germline.
Comment: Variant summary: SLC26A4 c.2171A>T (p.Asp724Val) results in a non-conservative amino acid change located in the STAS domain (IPR002645) of the encoded protein sequence. Five of five in-silico tools predict a damaging effect of the variant on protein function. The variant was absent in 251296 control chromosomes. The available data on variant occurrences in the general population are insufficient to allow any conclusion about variant significance. c.2171A>T has been reported in the literature as a presumed compound heterozygous genotype in at-least one comprehensively genotyped individual of African (Nigerian) descent in a large multiethnic cohort of GJB2 mutation-negative deaf probands (example, Yan_2016 cited in Rudman_2017). A confirmed clinical diagnosis of Pendred syndrome in this reported proband was not specified. These data do not allow any conclusion about variant significance in context of Pendred syndrome. To our knowledge, no experimental evidence demonstrating an impact on protein function has been reported. No clinical diagnostic laboratories have submitted clinical-significance assessments for this variant to ClinVar after 2014. Although a different variant, NM_000441.2(SLC26A4):c.2171A>G (p.Asp724Gly) has been reported with concordant Pathogenic/Likely Pathogenic classifications in the ClinVar database, supporting a possible functional relevance of this residue towards SLC26A4 protein function. Based on the evidence outlined above, until additional clinical cases and/or a functional study are identified, the variant was classified as VUS-possibly pathogenic.

Literature cited by the submitters: PubMed 28642064; PubMed 27344577.

NM_000441.2(SLC26A4):c.2171A>T (p.Asp724Val)

Genes: SLC26A4 (solute carrier family 26 member 4; plus strand), LOC123956210 (Sharpr-MPRA regulatory region 3291; plus strand). Cytogenetic location: 7q22.3.
Variant type: single nucleotide variant.
Coding change: c.2171A>T on transcript NM_000441.2 (MANE Select); coding-DNA position 2171, A replaced by T.
Protein change: p.Asp724Val; replaces aspartic acid 724 with valine.
Molecular consequence: missense variant.
Genome position (GRCh38, 1-based): chr7:107,710,135, A>T. VCF-style: chr7-107710135-A-T. GRCh37 (hg19) VCF-style: chr7-107350580-A-T.
Other names: short protein forms D724V.
Identifiers: ClinVar variation 2429150 (VCV002429150.3), dbSNP rs757820624, ClinGen allele CA368845889.